The following is an entry in ClinVar:

NM_000156.6(GAMT):c.570+241G>C

Gene: GAMT (guanidinoacetate N-methyltransferase; minus strand). Cytogenetic location: 19p13.3.
Variant type: single nucleotide variant.
Coding change: c.570+241G>C on transcript NM_000156.6 (MANE Select); 241 bases into the intron after coding-DNA position 570, G replaced by C.
Molecular consequence: intron variant. On other transcripts: 3 prime UTR variant (1).
Genome position (GRCh38, 1-based): chr19:1,398,675, C>G on the plus strand (G>C on the coding strand, the complement: GAMT is on the minus strand). VCF-style: chr19-1398675-C-G. GRCh37 (hg19) VCF-style: chr19-1398674-C-G.
Other names: c.*1G>C (NM_138924.3); c.570+241G>C (NM_000156.5).
Identifiers: ClinVar variation 379090 (VCV000379090.7), dbSNP rs112200521, ClinGen allele CA9043579.

ClinVar aggregate classification (germline): Likely benign. Review status: criteria provided, multiple submitters, no conflicts (2 of 4 stars). 3 submissions from 3 submitters: Likely benign (2). 1 of the submissions does not count toward it. Last evaluated 2024-11-13.

Conditions:
GAMT-related disorder. Also called: GAMT-related condition.

Allele frequency attached by ClinVar (database versions not stated): 1000 Genomes Project 0.00020; 1000 Genomes Project 30x 0.00031; ExAC 0.00031; gnomAD exomes 0.00120; TOPMed 0.00137; gnomAD 0.00147 and 0.00152.
gnomAD v4.1: 3,187 of 1,418,018 alleles (0.22%); highest among the groups gnomAD compares: Non-Finnish European, 0.28%; 4 homozygotes.

Submissions (3):

Blueprint Genetics
Classification: Likely benign. Last evaluated: 2024-11-13. Review status: criteria provided, single submitter. Criteria: ACMG Guidelines, 2015. Collection method: clinical testing. Allele origin: germline.

GeneDx
Classification: Likely benign. Last evaluated: 2018-07-17. Review status: criteria provided, single submitter. Criteria: GeneDx Variant Classification Process June 2021. Collection method: clinical testing. Allele origin: germline. Affected: yes.

PreventionGenetics, part of Exact Sciences
Classification: Likely benign for GAMT-related condition. Last evaluated: 2019-04-26. Review status: no assertion criteria provided. Collection method: clinical testing. Allele origin: germline. Not counted in ClinVar's aggregate classification.
Comment: This variant is classified as likely benign based on ACMG/AMP sequence variant interpretation guidelines (Richards et al. 2015 PMID: 25741868, with internal and published modifications).